The following is an entry in ClinVar:

NM_033026.6(PCLO):c.1946A>T (p.Asp649Val)

Gene: PCLO (piccolo presynaptic cytomatrix protein; minus strand). Cytogenetic location: 7q21.11.
Variant type: single nucleotide variant.
Coding change: c.1946A>T on transcript NM_033026.6 (MANE Select); coding-DNA position 1946, A replaced by T.
Protein change: p.Asp649Val; replaces aspartic acid 649 with valine.
Molecular consequence: missense variant.
Genome position (GRCh38, 1-based): chr7:83,135,604, T>A on the plus strand (A>T on the coding strand, the complement: PCLO is on the minus strand). VCF-style: chr7-83135604-T-A. GRCh37 (hg19) VCF-style: chr7-82764920-T-A.
Other names: c.1946A>T, p.Asp649Val (NM_014510.3); short protein forms D649V.
Identifiers: ClinVar variation 2168368 (VCV002168368.5), dbSNP rs531178043, ClinGen allele CA4321342.

ClinVar aggregate classification (germline): Uncertain significance. Review status: criteria provided, multiple submitters, no conflicts (2 of 4 stars). 2 submissions from 2 submitters: Uncertain significance (2). Last evaluated 2023-05-20.

Conditions:
Pontocerebellar hypoplasia type 3 (PCH3). Also called: CEREBELLAR ATROPHY WITH PROGRESSIVE MICROCEPHALY; PCH WITH OPTIC ATROPHY. Identifiers: Orphanet 97249, MedGen C1842687, MONDO:0011948, OMIM 608027.

Allele frequency attached by ClinVar (database versions not stated): gnomAD 0.00002; gnomAD exomes 0.00003; ExAC 0.00006; 1000 Genomes Project 30x 0.00016; 1000 Genomes Project 0.00020.
gnomAD v4.1: 51 of 1,612,148 alleles (0.0032%); highest among the groups gnomAD compares: South Asian, 0.053%; 1 homozygote.

Submissions (2):

Neuberg Centre For Genomic Medicine, NCGM
Classification: Uncertain significance for Pontocerebellar hypoplasia type 3. Last evaluated: 2023-05-20. Review status: criteria provided, single submitter. Criteria: ACMG Guidelines, 2015. Collection method: clinical testing. Allele origin: germline. Inheritance: Autosomal recessive inheritance. Affected: yes.
Comment: The observed missense variant c.1946A>T(p.Asp649Val) in PCLO gene has not been reported previously as a pathogenic variant nor as a benign variant, to our knowledge. This variant is reported with the allele frequency 0.01% in the gnomAD Exomes. This variant has been reported to the ClinVar database as Uncertain Significance. However, no details are available for independent assessment. The amino acid Aspartic Acid at position 649 is changed to a Valine changing protein sequence and it might alter its composition and physico-chemical properties. The variant is predicted as damaging by SIFT. The residue is conserved by GERP++ and PhyloP across 100 vertebrates. For these reasons, this variant has been classified as Uncertain Significance.

Labcorp Genetics (formerly Invitae), Labcorp
Classification: Uncertain significance. Last evaluated: 2022-07-19. Review status: criteria provided, single submitter. Criteria: Invitae Variant Classification Sherloc (09022015). Collection method: clinical testing. Allele origin: germline.
Comment: In summary, the available evidence is currently insufficient to determine the role of this variant in disease. Therefore, it has been classified as a Variant of Uncertain Significance. Algorithms developed to predict the effect of missense changes on protein structure and function are either unavailable or do not agree on the potential impact of this missense change (SIFT: "Deleterious"; PolyPhen-2: "Not Available"; Align-GVGD: "Class C0"). This variant has not been reported in the literature in individuals affected with PCLO-related conditions. This variant is present in population databases (rs531178043, gnomAD 0.06%). This sequence change replaces aspartic acid, which is acidic and polar, with valine, which is neutral and non-polar, at codon 649 of the PCLO protein (p.Asp649Val).